The following is an entry in ClinVar:

ClinVar aggregate classification (germline): Uncertain significance (1 of 4 stars; one submission).

Allele frequency attached by ClinVar (database versions not stated): gnomAD exomes below 0.00001; TOPMed below 0.00001; gnomAD 0.00001.
gnomAD v4.1: 2 of 1,609,212 alleles (0.00012%); highest among the groups gnomAD compares: African/African-American, 0.0027%; no homozygotes.

Submission:

Labcorp Genetics (formerly Invitae), Labcorp
Classification: Uncertain significance. Last evaluated: 2023-08-14. Review status: criteria provided, single submitter. Criteria: Invitae Variant Classification Sherloc (09022015). Collection method: clinical testing. Allele origin: germline.
Comment: This sequence change replaces leucine, which is neutral and non-polar, with arginine, which is basic and polar, at codon 226 of the GATA5 protein (p.Leu226Arg). This variant is present in population databases (no rsID available, gnomAD 0.004%). This variant has not been reported in the literature in individuals affected with GATA5-related conditions. Advanced modeling of protein sequence and biophysical properties (such as structural, functional, and spatial information, amino acid conservation, physicochemical variation, residue mobility, and thermodynamic stability) performed at Invitae indicates that this missense variant is expected to disrupt GATA5 protein function. In summary, the available evidence is currently insufficient to determine the role of this variant in disease. Therefore, it has been classified as a Variant of Uncertain Significance.

NM_080473.5(GATA5):c.677T>G (p.Leu226Arg)

Gene: GATA5 (GATA binding protein 5; minus strand). Cytogenetic location: 20q13.33.
Variant type: single nucleotide variant.
Coding change: c.677T>G on transcript NM_080473.5 (MANE Select); coding-DNA position 677, T replaced by G.
Protein change: p.Leu226Arg; replaces leucine 226 with arginine.
Molecular consequence: missense variant.
Genome position (GRCh38, 1-based): chr20:62,473,425, A>C on the plus strand (T>G on the coding strand, the complement: GATA5 is on the minus strand). VCF-style: chr20-62473425-A-C. GRCh37 (hg19) VCF-style: chr20-61048481-A-C.
Other names: short protein forms L226R.
Identifiers: ClinVar variation 2879255 (VCV002879255.3), dbSNP rs1555896755, ClinGen allele CA409554769.
Genomic context (GRCh38, chr20:62,473,425, plus strand): 5'-ACTGCGCCCAGGCGCCCCTCTGCCCAGCCCGAACTCACCAGGCGCTTCTGAGGCCGAACG[A>C]GCGGCCGGTTGACGCCATTCATCTTGTGGTAGAGGCCGCAGGCATTGCACAGGTAGTGGC-3'
Protein context (NP_536721.1, residues 216-236): YHKMNGVNRP[Leu226Arg]VRPQKRLSSS